The following is an entry in ClinVar:

ClinVar aggregate classification (germline): Pathogenic. Review status: reviewed by expert panel (3 of 4 stars). 3 submissions from 3 submitters: Pathogenic (1). 2 of the submissions do not count toward it. Last evaluated 2017-12-15.

Conditions:
Hereditary breast ovarian cancer syndrome. Also called: Hereditary breast and ovarian cancer syndrome (HBOC); Hereditary breast and ovarian cancer syndrome; Hereditary breast and ovarian cancer; Hereditary breast and/or ovarian cancer syndrome; Breast and ovarian cancer; BRCA1- and BRCA2-Associated Hereditary Breast and Ovarian Cancer. Identifiers: Orphanet 145, MedGen C0677776, MeSH D061325, MONDO:0003582. Disease mechanism: loss of function.
Breast-ovarian cancer, familial, susceptibility to, 1 (BROVCA1). Also called: OVARIAN CANCER, SUSCEPTIBILITY TO; BRCA1 Hereditary Breast and Ovarian Cancer. Identifiers: Orphanet 145, MedGen C2676676, MONDO:0011450, OMIM 604370. Disease mechanism: loss of function.
Familial cancer of breast. Also called: Hereditary breast cancer; hereditary breast carcinoma; BREAST CANCER, FAMILIAL. Identifiers: Orphanet 227535, MedGen C0346153, MONDO:0016419, OMIM 114480. Disease mechanism: loss of function.

Submissions (3):

Evidence-based Network for the Interpretation of Germline Mutant Alleles (ENIGMA)
Classification: Pathogenic for Breast-ovarian cancer, familial, susceptibility to, 1. Last evaluated: 2017-12-15. Review status: reviewed by expert panel. Criteria: ENIGMA BRCA1/2 Classification Criteria (2017-06-29). Collection method: curation. Allele origin: germline. Study: ENIGMA.
Comment: Variant allele predicted to encode a truncated non-functional protein.

Labcorp Genetics (formerly Invitae), Labcorp
Classification: Pathogenic for Hereditary breast ovarian cancer syndrome. Last evaluated: 2018-09-04. Review status: criteria provided, single submitter. Criteria: Invitae Variant Classification Sherloc (09022015). Collection method: clinical testing. Allele origin: germline. Not counted in ClinVar's aggregate classification.
Comment: This sequence change creates a premature translational stop signal (p.Gln910*) in the BRCA1 gene. It is expected to result in an absent or disrupted protein product. This variant is not present in population databases (ExAC no frequency). This variant has been observed in an individual affected with ovary cancer (PMID: 28947987), and has also been observed in individuals referred for genetic testing (PMID: 21918853). This variant is also known as c.2847C>T in the literature. ClinVar contains an entry for this variant (Variation ID: 54662). Loss-of-function variants in BRCA1 are known to be pathogenic (PMID: 20104584). For these reasons, this variant has been classified as Pathogenic.

ClinVar Staff, National Center for Biotechnology Information (NCBI)
No classification provided. Condition: Familial cancer of breast. Review status: no classification provided. Collection method: literature only. Allele origin: germline. Affected: yes. Not counted in ClinVar's aggregate classification.

Literature cited by the submitters: PubMed 28947987 (cited by Labcorp Genetics (formerly Invitae), Labcorp); PubMed 21918853 (cited by Labcorp Genetics (formerly Invitae), Labcorp and ClinVar Staff, National Center for Biotechnology Information (NCBI)); PubMed 20104584 (cited by Labcorp Genetics (formerly Invitae), Labcorp).

NM_007294.4(BRCA1):c.2728C>T (p.Gln910Ter)

Gene: BRCA1 (BRCA1 DNA repair associated; minus strand). Cytogenetic location: 17q21.31.
Variant type: single nucleotide variant.
Coding change: c.2728C>T on transcript NM_007294.4 (MANE Select); coding-DNA position 2728, C replaced by T.
Protein change: p.Gln910Ter; replaces glutamine 910 with a stop codon.
Molecular consequence: nonsense. On other transcripts: intron variant (137).
Genome position (GRCh38, 1-based): chr17:43,092,803, G>A on the plus strand (C>T on the coding strand, the complement: BRCA1 is on the minus strand). VCF-style: chr17-43092803-G-A. GRCh37 (hg19) VCF-style: chr17-41244820-G-A.
Other names: c.785-1771C>T (NM_001408401.1, NM_001408396.1, NM_001407985.1 and 13 more transcripts); c.548-1771C>T (NM_001408494.1); c.665-1771C>T (NM_001408444.1, NM_001408438.1, NM_001408430.1 and 12 more transcripts); c.671-1771C>T (NM_001408423.1, NM_001408420.1, NM_001408419.1 and 2 more transcripts); c.788-1771C>T (NM_001408404.1, NM_001408472.1, NM_001407990.1 and 17 more transcripts); c.788-664C>T (NM_001407969.1, NM_001407968.1); c.578-1771C>T (NM_001408492.1, NM_001408513.1, NM_001408489.1 and 9 more transcripts); c.644-1771C>T (NM_001408468.1, NM_001408465.1, NM_001408463.1 and 3 more transcripts); and 41 more; short protein forms Q910*, Q863*, Q840*, Q862*, Q868*, Q783*, Q842*, Q883*.
Identifiers: ClinVar variation 54662 (VCV000054662.12), dbSNP rs397509004, ClinGen allele CA001798.